The following is an entry in ClinVar:

ClinVar aggregate classification (germline): Uncertain significance (1 of 4 stars; one submission).

Conditions:
Axenfeld-Rieger syndrome type 3 (RIEG3). Also called: AXENFELD-RIEGER ANOMALY WITH CARDIAC DEFECTS AND/OR SENSORINEURAL HEARING LOSS. Identifiers: Orphanet 782, MedGen C2678503, MONDO:0011233, OMIM 602482.

Submission:

Labcorp Genetics (formerly Invitae), Labcorp
Classification: Uncertain significance for Axenfeld-Rieger syndrome type 3. Last evaluated: 2021-11-24. Review status: criteria provided, single submitter. Criteria: Invitae Variant Classification Sherloc (09022015). Collection method: clinical testing. Allele origin: germline.
Comment: In summary, the available evidence is currently insufficient to determine the role of this variant in disease. Therefore, it has been classified as a Variant of Uncertain Significance. Algorithms developed to predict the effect of missense changes on protein structure and function (SIFT, PolyPhen-2, Align-GVGD) all suggest that this variant is likely to be disruptive. This variant has not been reported in the literature in individuals affected with FOXC1-related conditions. This variant is not present in population databases (gnomAD no frequency). This sequence change replaces glutamic acid, which is acidic and polar, with lysine, which is basic and polar, at codon 327 of the FOXC1 protein (p.Glu327Lys).

NM_001453.3(FOXC1):c.979G>A (p.Glu327Lys)

Gene: FOXC1 (forkhead box C1; plus strand). Cytogenetic location: 6p25.3.
Variant type: single nucleotide variant.
Coding change: c.979G>A on transcript NM_001453.3 (MANE Select); coding-DNA position 979, G replaced by A.
Protein change: p.Glu327Lys; replaces glutamic acid 327 with lysine.
Molecular consequence: missense variant.
Genome position (GRCh38, 1-based): chr6:1,611,424, G>A. VCF-style: chr6-1611424-G-A. GRCh37 (hg19) VCF-style: chr6-1611659-G-A.
Other names: short protein forms E327K.
Identifiers: ClinVar variation 1480481 (VCV001480481.6), dbSNP rs2113113220, ClinGen allele CA362559976.